The following is an entry in ClinVar:

NM_153240.5(NPHP3):c.3374G>A (p.Arg1125Gln)

Genes: NPHP3 (nephrocystin 3; minus strand), NPHP3-ACAD11 (NPHP3-ACAD11 readthrough (NMD candidate); minus strand). Cytogenetic location: 3q22.1.
Variant type: single nucleotide variant.
Coding change: c.3374G>A on transcript NM_153240.5 (MANE Select); coding-DNA position 3374, G replaced by A.
Protein change: p.Arg1125Gln; replaces arginine 1125 with glutamine.
Molecular consequence: missense variant. On other transcripts: non-coding transcript variant (1).
Genome position (GRCh38, 1-based): chr3:132,684,750, C>T on the plus strand (G>A on the coding strand, the complement: NPHP3 is on the minus strand). VCF-style: chr3-132684750-C-T. GRCh37 (hg19) VCF-style: chr3-132403594-C-T.
Other names: c.3374G>A (NM_153240.4); short protein forms R1125Q.
Identifiers: ClinVar variation 1046137 (VCV001046137.9), dbSNP rs767752387, ClinGen allele CA2621755.
Genomic context (GRCh38, chr3:132,684,750, plus strand): 5'-CATAGAGCTGCCAGATTATTCAAAGACTGAGCACAGTCAGGGTGATCTGGTCCTAGAACT[C>T]GCTCCCTCATTTCTAAGGAACGCTTCAGAAACTGGTCAGCTGTTCTGTGAACACAATCCC-3'
Protein context (NP_694972.3, residues 1115-1135): FLKRSLEMRE[Arg1125Gln]VLGPDHPDCA

ClinVar aggregate classification (germline): Uncertain significance. Review status: criteria provided, multiple submitters, no conflicts (2 of 4 stars). 3 submissions from 3 submitters: Uncertain significance (3). Last evaluated 2025-12-03.

Conditions:
Renal-hepatic-pancreatic dysplasia 1 (RHPD1). Identifiers: MedGen C3715199, MONDO:0008833, OMIM 208540.
NPHP3-related Meckel-like syndrome. Also called: GOLDSTON SYNDROME; Meckel syndrome type 7. Identifiers: Orphanet 3032, MedGen C2673885, MONDO:0009966, OMIM 267010.
Nephronophthisis 3 (NPHP3). Also called: Adolescent nephronophthisis. Identifiers: Orphanet 655, MedGen C1858392, MONDO:0011456, OMIM 604387.
NPHP3-related disorder. Also called: NPHP3-related condition; NPHP3-related disorders. Identifiers: MedGen CN379163.
Nephronophthisis. Also called: Juvenile Nephronophthisis. Identifiers: Orphanet 655, MedGen C0687120, MONDO:0019005, HP:0000090.

Allele frequency attached by ClinVar (database versions not stated): ExAC 0.00002; gnomAD exomes 0.00002.
gnomAD v4.1: 16 of 1,613,916 alleles (0.00099%); highest among the groups gnomAD compares: Middle Eastern, 0.016%; no homozygotes.

Submissions (3):

PreventionGenetics, part of Exact Sciences
Classification: Uncertain significance for NPHP3-related condition. Last evaluated: 2025-12-03. Review status: criteria provided, single submitter. Criteria: ACMG Guidelines, 2015. Collection method: clinical testing. Allele origin: germline.
Comment: The NPHP3 c.3374G>A variant is predicted to result in the amino acid substitution p.Arg1125Gln. To our knowledge, this variant has not been reported in the literature. This variant is reported in 0.0033% of alleles in individuals of South Asian descent in gnomAD. At this time, the clinical significance of this variant is uncertain due to the absence of conclusive functional and genetic evidence.

Fulgent Genetics
Classification: Uncertain significance for Renal-hepatic-pancreatic dysplasia 1; NPHP3-related Meckel-like syndrome; Nephronophthisis 3. Last evaluated: 2024-06-04. Review status: criteria provided, single submitter. Criteria: ACMG Guidelines, 2015. Collection method: clinical testing. Allele origin: germline.

Labcorp Genetics (formerly Invitae), Labcorp
Classification: Uncertain significance for Nephronophthisis. Last evaluated: 2021-12-19. Review status: criteria provided, single submitter. Criteria: Invitae Variant Classification Sherloc (09022015). Collection method: clinical testing. Allele origin: germline.
Comment: This variant has not been reported in the literature in individuals affected with NPHP3-related conditions. This sequence change replaces arginine, which is basic and polar, with glutamine, which is neutral and polar, at codon 1125 of the NPHP3 protein (p.Arg1125Gln). This variant is present in population databases (rs767752387, gnomAD 0.003%). ClinVar contains an entry for this variant (Variation ID: 1046137). Algorithms developed to predict the effect of missense changes on protein structure and function are either unavailable or do not agree on the potential impact of this missense change (SIFT: "Deleterious"; PolyPhen-2: "Possibly Damaging"; Align-GVGD: "Class C0"). In summary, the available evidence is currently insufficient to determine the role of this variant in disease. Therefore, it has been classified as a Variant of Uncertain Significance.